The following is an entry in ClinVar:

NM_001844.5(COL2A1):c.1189del (p.Thr397fs)

Gene: COL2A1 (collagen type II alpha 1 chain; minus strand). Cytogenetic location: 12q13.11.
Variant type: Deletion.
Coding change: c.1189del on transcript NM_001844.5 (MANE Select); coding-DNA position 1189, one base deleted (A; older notation c.1189delA).
Protein change: p.Thr397fs; shifts the reading frame from threonine 397.
Molecular consequence: frameshift variant.
Genome position (GRCh38, 1-based): chr12:47,987,643, T deleted on the plus strand (A on the coding strand, the reverse complement: COL2A1 is on the minus strand). VCF-style (leftmost placement, unchanged base first): chr12-47987642-GT-G. GRCh37 (hg19) VCF-style: chr12-48381425-GT-G.
Other names: c.982del, p.Thr328fs (NM_033150.3); short protein forms T397fs, T328fs.
Identifiers: ClinVar variation 2694450 (VCV002694450.3), dbSNP rs2540153326, ClinGen allele CA2697559226.

ClinVar aggregate classification (germline): Pathogenic (1 of 4 stars; one submission).

Submission:

Labcorp Genetics (formerly Invitae), Labcorp
Classification: Pathogenic. Last evaluated: 2025-12-09. Review status: criteria provided, single submitter. Criteria: Invitae Variant Classification Sherloc (09022015). Collection method: clinical testing. Allele origin: germline.
Comment: This sequence change creates a premature translational stop signal (p.Thr397Leufs*232) in the COL2A1 gene. It is expected to result in an absent or disrupted protein product. Loss-of-function variants in COL2A1 are known to be pathogenic (PMID: 20179744). This variant is not present in population databases (gnomAD no frequency). This variant has not been reported in the literature in individuals affected with COL2A1-related conditions. ClinVar contains an entry for this variant (Variation ID: 2694450). For these reasons, this variant has been classified as Pathogenic.

Literature cited by the submitters: PubMed 20179744.